The following is an entry in ClinVar:

NM_015166.4(MLC1):c.101C>T (p.Pro34Leu)

Gene: MLC1 (modulator of VRAC current 1; minus strand). Cytogenetic location: 22q13.33.
Variant type: single nucleotide variant.
Coding change: c.101C>T on transcript NM_015166.4 (MANE Select); coding-DNA position 101, C replaced by T.
Protein change: p.Pro34Leu; replaces proline 34 with leucine.
Molecular consequence: missense variant. On other transcripts: non-coding transcript variant (3), intron variant (1).
Genome position (GRCh38, 1-based): chr22:50,084,802, G>A on the plus strand (C>T on the coding strand, the complement: MLC1 is on the minus strand). VCF-style: chr22-50084802-G-A. GRCh37 (hg19) VCF-style: chr22-50523231-G-A.
Other names: c.101C>T, p.Pro34Leu (NM_001376472.1, NM_001376473.1, NM_001376474.1 and 10 more transcripts); c.-59+553C>T (NM_001376484.1); short protein forms P34L.
Identifiers: ClinVar variation 2057980 (VCV002057980.6), dbSNP rs138094311, ClinGen allele CA10303682.

ClinVar aggregate classification (germline): Uncertain significance. Review status: criteria provided, multiple submitters, no conflicts (2 of 4 stars). 4 submissions from 4 submitters: Uncertain significance (4). Last evaluated 2024-11-20.

Conditions:
Inborn genetic diseases. Identifiers: MedGen C0950123, MeSH D030342.
Megalencephalic leukoencephalopathy with subcortical cysts 1 (MLC1). Also called: LEUKOENCEPHALOPATHY WITH SWELLING AND CYSTS; VACUOLATING MEGALENCEPHALIC LEUKOENCEPHALOPATHY WITH SUBCORTICAL CYSTS. Identifiers: Orphanet 2478, MedGen C5779875, MONDO:0024555, OMIM 604004.

Allele frequency attached by ClinVar (database versions not stated): gnomAD 0.00009; gnomAD exomes 0.00012; ExAC 0.00014; TOPMed 0.00020; ESP Exome Variant Server 0.00031.
gnomAD v4.1: 184 of 1,613,910 alleles (0.011%); highest among the groups gnomAD compares: Admixed American, 0.022%; no homozygotes.

Submissions (4):

Ambry Genetics
Classification: Uncertain significance for Inborn genetic diseases. Last evaluated: 2024-11-20. Review status: criteria provided, single submitter. Criteria: Ambry Variant Classification Scheme 2023. Collection method: clinical testing. Allele origin: germline.

Blueprint Genetics
Classification: Uncertain significance. Last evaluated: 2024-10-14. Review status: criteria provided, single submitter. Criteria: ACMG Guidelines, 2015. Collection method: clinical testing. Allele origin: germline.

Revvity Omics, Revvity
Classification: Uncertain significance for Megalencephalic leukoencephalopathy with subcortical cysts 1. Last evaluated: 2023-03-30. Review status: criteria provided, single submitter. Criteria: ACMG Guidelines, 2015. Collection method: clinical testing. Allele origin: germline.

Labcorp Genetics (formerly Invitae), Labcorp
Classification: Uncertain significance. Last evaluated: 2022-07-12. Review status: criteria provided, single submitter. Criteria: Invitae Variant Classification Sherloc (09022015). Collection method: clinical testing. Allele origin: germline.
Comment: This sequence change replaces proline, which is neutral and non-polar, with leucine, which is neutral and non-polar, at codon 34 of the MLC1 protein (p.Pro34Leu). This variant is present in population databases (rs138094311, gnomAD 0.02%). This variant has not been reported in the literature in individuals affected with MLC1-related conditions. Algorithms developed to predict the effect of missense changes on protein structure and function are either unavailable or do not agree on the potential impact of this missense change (SIFT: "Deleterious"; PolyPhen-2: "Possibly Damaging"; Align-GVGD: "Class C15"). In summary, the available evidence is currently insufficient to determine the role of this variant in disease. Therefore, it has been classified as a Variant of Uncertain Significance.